The following is an entry in ClinVar:

ClinVar aggregate classification (germline): Conflicting classifications of pathogenicity. Review status: criteria provided, conflicting classifications (1 of 4 stars). 2 submissions from 2 submitters: Likely pathogenic (1); Uncertain significance (1). Last evaluated 2025-01-11.

Conditions:
Hereditary cancer-predisposing syndrome. Also called: Hereditary neoplastic syndrome; Tumor predisposition; Neoplastic Syndromes, Hereditary; Hereditary Cancer Syndrome. Identifiers: Orphanet 140162, MedGen C0027672, MeSH D009386, MONDO:0015356.
Familial adenomatous polyposis 1 (FAP1). Also called: FAMILIAL ADENOMATOUS POLYPOSIS 1, ATTENUATED; POLYPOSIS, ADENOMATOUS INTESTINAL. Identifiers: MedGen C2713442, MONDO:0021056, OMIM 175100. Disease mechanism: loss of function.

Submissions (2):

Ambry Genetics
Classification: Likely pathogenic for Hereditary cancer-predisposing syndrome. Last evaluated: 2025-01-11. Review status: criteria provided, single submitter. Criteria: Ambry Variant Classification Scheme 2023. Collection method: clinical testing. Allele origin: germline.
Comment: The c.1292T>G variant (also known as p.M431R), located in coding exon 9 of the APC gene, results from a T to G substitution at nucleotide position 1292. The methionine at codon 431 is replaced by arginine, an amino acid with similar properties. This variant is considered to be rare based on population cohorts in the Genome Aggregation Database (gnomAD). This nucleotide position is highly conserved in available vertebrate species. In silico splice site analysis predicts that this alteration will not have any significant effect on splicing. However, RNA studies have demonstrated that this alteration results in abnormal splicing in the set of samples tested (Ambry internal data). Based on the majority of available evidence to date, this variant is likely to be pathogenic.

Labcorp Genetics (formerly Invitae), Labcorp
Classification: Uncertain significance for Familial adenomatous polyposis 1. Last evaluated: 2018-12-22. Review status: criteria provided, single submitter. Criteria: Invitae Variant Classification Sherloc (09022015). Collection method: clinical testing. Allele origin: germline.
Comment: In summary, the available evidence is currently insufficient to determine the role of this variant in disease. Therefore, it has been classified as a Variant of Uncertain Significance. Algorithms developed to predict the effect of missense changes on protein structure and function are either unavailable or do not agree on the potential impact of this missense change (SIFT: "Deleterious"; PolyPhen-2: "Benign"; Align-GVGD: "Class C0"). This variant has not been reported in the literature in individuals with APC-related conditions. This variant is not present in population databases (ExAC no frequency). This sequence change replaces methionine with arginine at codon 431 of the APC protein (p.Met431Arg). The methionine residue is highly conserved and there is a moderate physicochemical difference between methionine and arginine.

NM_000038.6(APC):c.1292T>G (p.Met431Arg)

Gene: APC (APC regulator of Wnt signaling pathway; plus strand). Cytogenetic location: 5q22.2.
Variant type: single nucleotide variant.
Coding change: c.1292T>G on transcript NM_000038.6 (MANE Select); coding-DNA position 1292, T replaced by G.
Protein change: p.Met431Arg; replaces methionine 431 with arginine.
Molecular consequence: missense variant.
Genome position (GRCh38, 1-based): chr5:112,819,324, T>G. VCF-style: chr5-112819324-T-G. GRCh37 (hg19) VCF-style: chr5-112155021-T-G.
Other names: c.1292T>G, p.Met431Arg (NM_001127510.3, NM_001354895.2, NM_001354896.2); c.1238T>G, p.Met413Arg (NM_001127511.3); c.1322T>G, p.Met441Arg (NM_001354897.2); c.1217T>G, p.Met406Arg (NM_001354898.2); c.1208T>G, p.Met403Arg (NM_001354899.2); c.1115T>G, p.Met372Arg (NM_001354900.2, NM_001354901.2); c.1019T>G, p.Met340Arg (NM_001354902.2); c.989T>G, p.Met330Arg (NM_001354903.2); and 3 more; short protein forms M340R, M441R, M403R, M271R, M305R, M330R, M372R, M406R.
Identifiers: ClinVar variation 654705 (VCV000654705.11), dbSNP rs1034113927, ClinGen allele CA16024135.
Genomic context (GRCh38, chr5:112,819,324, plus strand): 5'-AACAGATACGCGCTTACTGTGAAACCTGTTGGGAGTGGCAGGAAGCTCATGAACCAGGCA[T>G]GGACCAGGACAAAAATCCAAGTATGTTCTCTATAGTGTACATCGTAGTGCATGTTTCAAA-3'
Protein context (NP_000029.2, residues 421-441): WEWQEAHEPG[Met431Arg]DQDKNPMPAP